The following is an entry in ClinVar:

NM_001844.5(COL2A1):c.1941+14C>T

Gene: COL2A1 (collagen type II alpha 1 chain; minus strand). Cytogenetic location: 12q13.11.
Variant type: single nucleotide variant.
Coding change: c.1941+14C>T on transcript NM_001844.5 (MANE Select); 14 bases into the intron after coding-DNA position 1941, C replaced by T.
Molecular consequence: intron variant.
Genome position (GRCh38, 1-based): chr12:47,984,073, G>A on the plus strand (C>T on the coding strand, the complement: COL2A1 is on the minus strand). VCF-style: chr12-47984073-G-A. GRCh37 (hg19) VCF-style: chr12-48377856-G-A.
Other names: c.1734+14C>T (NM_033150.3).
Identifiers: ClinVar variation 515201 (VCV000515201.10), dbSNP rs201963693, ClinGen allele CA6535321.

ClinVar aggregate classification (germline): Benign/Likely benign. Review status: criteria provided, multiple submitters, no conflicts (2 of 4 stars). 3 submissions from 3 submitters: Benign (1); Likely benign (2). Last evaluated 2026-01-13.

Allele frequency attached by ClinVar (database versions not stated): gnomAD 0.00011 and 0.00023; gnomAD exomes 0.00011 and 0.00043; TOPMed 0.00017; ExAC 0.00052; 1000 Genomes Project 30x 0.00203; 1000 Genomes Project 0.00240.

Submissions (3):

Labcorp Genetics (formerly Invitae), Labcorp
Classification: Benign. Last evaluated: 2026-01-13. Review status: criteria provided, single submitter. Criteria: Invitae Variant Classification Sherloc (09022015). Collection method: clinical testing. Allele origin: germline.

Blueprint Genetics
Classification: Likely benign. Last evaluated: 2024-08-30. Review status: criteria provided, single submitter. Criteria: ACMG Guidelines, 2015. Collection method: clinical testing. Allele origin: germline.

GeneDx
Classification: Likely benign. Last evaluated: 2018-01-25. Review status: criteria provided, single submitter. Criteria: GeneDx Variant Classification (06012015). Collection method: clinical testing. Allele origin: germline. Affected: yes.
Comment: This variant is considered likely benign or benign based on one or more of the following criteria: it is a conservative change, it occurs at a poorly conserved position in the protein, it is predicted to be benign by multiple in silico algorithms, and/or has population frequency not consistent with disease.